The following is an entry in ClinVar:

NM_015047.3(EMC1):c.287-1G>T

Gene: EMC1 (ER membrane protein complex subunit 1; minus strand). Cytogenetic location: 1p36.13.
Variant type: single nucleotide variant.
Coding change: c.287-1G>T on transcript NM_015047.3 (MANE Select); the canonical splice acceptor site of the intron before coding-DNA position 287, G replaced by T.
Molecular consequence: splice acceptor variant.
Genome position (GRCh38, 1-based): chr1:19,243,708, C>A on the plus strand (G>T on the coding strand, the complement: EMC1 is on the minus strand). VCF-style: chr1-19243708-C-A. GRCh37 (hg19) VCF-style: chr1-19570202-C-A.
Other names: c.221-1G>T (NM_001271429.2); c.287-1G>T (NM_001271427.2, NM_001375821.1, NM_001271428.2 and 1 more transcripts).
Identifiers: ClinVar variation 972296 (VCV000972296.8), dbSNP rs751484278, ClinGen allele CA338772573.
Genomic context (GRCh38, chr1:19,243,708, plus strand): 5'-CCCCGATGTTAGTCTCCCAGGAACGCATGATTCGGCCTCCATTGGACACAGTGATCACAT[C>A]TGGAAAAGAAAAGATCGTGGTGAAGTCATTTCCCACTTGCTCTGTCGCTTCCTAGGGTCC-3'

ClinVar aggregate classification (germline): Likely pathogenic (1 of 4 stars; one submission).

gnomAD v4.1: 1 of 1,614,130 alleles (0.000062%); highest among the groups gnomAD compares: Non-Finnish European, 0.000085%; no homozygotes.

Submission:

Labcorp Genetics (formerly Invitae), Labcorp
Classification: Likely pathogenic. Last evaluated: 2025-03-31. Review status: criteria provided, single submitter. Criteria: Invitae Variant Classification Sherloc (09022015). Collection method: clinical testing. Allele origin: germline.
Comment: This sequence change affects an acceptor splice site in intron 3 of the EMC1 gene. It is expected to disrupt RNA splicing. Variants that disrupt the donor or acceptor splice site typically lead to a loss of protein function (PMID: 16199547), and loss-of-function variants in EMC1 are known to be pathogenic (PMID: 26572623, 26942288, 29271071). This variant is not present in population databases (gnomAD no frequency). Disruption of this splice site has been observed in individual(s) with clinical features of EMC1-related conditions (PMID: 36799557, 38544359). ClinVar contains an entry for this variant (Variation ID: 972296). Algorithms developed to predict the effect of sequence changes on RNA splicing suggest that this variant may disrupt the consensus splice site. In summary, the currently available evidence indicates that the variant is pathogenic, but additional data are needed to prove that conclusively. Therefore, this variant has been classified as Likely Pathogenic.

Literature cited by the submitters: PubMed 16199547; PubMed 26572623; PubMed 26942288; PubMed 29271071; PubMed 36799557; PubMed 38544359.